The following is an entry in ClinVar:

NM_013382.7(POMT2):c.700G>A (p.Val234Ile)

Genes: POMT2 (protein O-mannosyltransferase 2; minus strand), LOC130056175 (ATAC-STARR-seq lymphoblastoid silent region 5968; plus strand). Cytogenetic location: 14q24.3.
Variant type: single nucleotide variant.
Coding change: c.700G>A on transcript NM_013382.7 (MANE Select); coding-DNA position 700, G replaced by A.
Protein change: p.Val234Ile; replaces valine 234 with isoleucine.
Molecular consequence: missense variant.
Genome position (GRCh38, 1-based): chr14:77,301,206, C>T on the plus strand (G>A on the coding strand, the complement: POMT2 is on the minus strand). VCF-style: chr14-77301206-C-T. GRCh37 (hg19) VCF-style: chr14-77767549-C-T.
Other names: p.Val234Ile; c.700G>A (NM_013382.5); short protein forms V234I.
Identifiers: ClinVar variation 501825 (VCV000501825.48), dbSNP rs576822260, ClinGen allele CA7286103.

ClinVar aggregate classification (germline): Conflicting classifications of pathogenicity. Review status: criteria provided, conflicting classifications (1 of 4 stars). 7 submissions from 7 submitters: Uncertain significance (6); Likely benign (1). Last evaluated 2026-03-29.

Conditions:
POMT2-related disorder. Also called: POMT2-related condition.
Muscular dystrophy-dystroglycanopathy (congenital with brain and eye anomalies), type A2. Also called: MUSCULAR DYSTROPHY-DYSTROGLYCANOPATHY (CONGENITAL WITH BRAIN AND EYE ANOMALIES), TYPE A, 2; WALKER-WARBURG SYNDROME OR MUSCLE-EYE-BRAIN DISEASE, POMT2-RELATED. Identifiers: Orphanet 588, Orphanet 899, MedGen C3150411, MONDO:0013154, OMIM 613150.
Muscular dystrophy-dystroglycanopathy (congenital with impaired intellectual development), type B, 2. Also called: Muscular dystrophy-dystroglycanopathy (congenital with intellectual disability), type B2; MUSCULAR DYSTROPHY, CONGENITAL, POMT2-RELATED. Identifiers: MedGen C3150416, MONDO:0013160, OMIM 613156.
Autosomal recessive limb-girdle muscular dystrophy type 2N. Also called: Muscular dystrophy-dystroglycanopathy (limb-girdle), type C, 2; MUSCULAR DYSTROPHY-DYSTROGLYCANOPATHY, LIMB-GIRDLE, POMT2-RELATED. Identifiers: Orphanet 206559, MedGen C3150418, MONDO:0013162, OMIM 613158.
Inborn genetic diseases. Identifiers: MedGen C0950123, MeSH D030342.

Allele frequency attached by ClinVar (database versions not stated): ExAC 0.00002; gnomAD exomes 0.00004; TOPMed 0.00005; gnomAD 0.00008 and 0.00009.
gnomAD v4.1: 64 of 1,614,080 alleles (0.004%); highest among the groups gnomAD compares: Non-Finnish European, 0.005%; no homozygotes.

Submissions (7):

PreventionGenetics, part of Exact Sciences
Classification: Uncertain significance for POMT2-related condition. Last evaluated: 2026-03-29. Review status: criteria provided, single submitter. Criteria: ACMG Guidelines, 2015. Collection method: clinical testing. Allele origin: germline.
Comment: The POMT2 c.700G>A variant is predicted to result in the amino acid substitution p.Val234Ile. To our knowledge, this variant has not been reported in the literature. This variant is reported in 0.010% of alleles in individuals of European (Non-Finnish) descent in gnomAD. At this time, the clinical significance of this variant is uncertain due to the absence of conclusive functional and genetic evidence.

Mayo Clinic Laboratories, Mayo Clinic
Classification: Uncertain significance. Last evaluated: 2025-03-05. Review status: criteria provided, single submitter. Criteria: ACMG Guidelines, 2015. Collection method: clinical testing. Allele origin: germline. Observed: 1 variant allele.
Comment: BP4_moderate, PM2_supporting

Ambry Genetics
Classification: Likely benign for Inborn genetic diseases. Last evaluated: 2023-06-13. Review status: criteria provided, single submitter. Criteria: Ambry Variant Classification Scheme 2023. Collection method: clinical testing. Allele origin: germline.

Labcorp Genetics (formerly Invitae), Labcorp
Classification: Uncertain significance for Muscular dystrophy-dystroglycanopathy (congenital with impaired intellectual development), type B, 2; Muscular dystrophy-dystroglycanopathy (congenital with brain and eye anomalies), type A2; Autosomal recessive limb-girdle muscular dystrophy type 2N. Last evaluated: 2022-10-24. Review status: criteria provided, single submitter. Criteria: Invitae Variant Classification Sherloc (09022015). Collection method: clinical testing. Allele origin: germline.
Comment: This sequence change replaces valine, which is neutral and non-polar, with isoleucine, which is neutral and non-polar, at codon 234 of the POMT2 protein (p.Val234Ile). This variant is present in population databases (rs576822260, gnomAD 0.01%). This variant has not been reported in the literature in individuals affected with POMT2-related conditions. ClinVar contains an entry for this variant (Variation ID: 501825). Advanced modeling of protein sequence and biophysical properties (such as structural, functional, and spatial information, amino acid conservation, physicochemical variation, residue mobility, and thermodynamic stability) performed at Invitae indicates that this missense variant is not expected to disrupt POMT2 protein function. In summary, the available evidence is currently insufficient to determine the role of this variant in disease. Therefore, it has been classified as a Variant of Uncertain Significance.

CeGaT Center for Human Genetics Tuebingen
Classification: Uncertain significance. Last evaluated: 2021-12-01. Review status: criteria provided, single submitter. Criteria: CeGaT Center For Human Genetics Tuebingen Variant Classification Criteria Version 2. Collection method: clinical testing. Allele origin: germline. Affected: yes. Observed: 1 variant allele.

Revvity Omics, Revvity
Classification: Uncertain significance. Last evaluated: 2021-10-12. Review status: criteria provided, single submitter. Criteria: ACMG Guidelines, 2015. Collection method: clinical testing. Allele origin: germline.

Eurofins Ntd Llc (ga)
Classification: Uncertain significance. Last evaluated: 2017-05-04. Review status: criteria provided, single submitter. Criteria: EGL Classification Definitions 2015. Collection method: clinical testing. Allele origin: germline. Observed: 1 variant allele, 1 heterozygote.